The following is an entry in ClinVar:

NM_001042492.3(NF1):c.3932C>A (p.Ser1311Tyr)

Gene: NF1 (neurofibromin 1; plus strand). Cytogenetic location: 17q11.2.
Variant type: single nucleotide variant.
Coding change: c.3932C>A on transcript NM_001042492.3 (MANE Select); coding-DNA position 3932, C replaced by A.
Protein change: p.Ser1311Tyr; replaces serine 1311 with tyrosine.
Molecular consequence: missense variant.
Genome position (GRCh38, 1-based): chr17:31,235,979, C>A. VCF-style: chr17-31235979-C-A. GRCh37 (hg19) VCF-style: chr17-29562997-C-A.
Other names: c.3932C>A, p.Ser1311Tyr (NM_000267.4); short protein forms S1311Y.
Identifiers: ClinVar variation 824397 (VCV000824397.7), dbSNP rs587782894, ClinGen allele CA398993194.
Genomic context (GRCh38, chr17:31,235,979, plus strand): 5'-TATATGGTGCTACCTATCTACAAAAACTCCTGGATCCTTTATTACGAATTGTGATCACAT[C>A]CTCTGATTGGCAACATGTTAGCTTTGAAGTGGATCCTACCAGGTTTGTCATCTTTTCACA-3'
Protein context (NP_001035957.1, residues 1301-1321): LDPLLRIVIT[Ser1311Tyr]SDWQHVSFEV

ClinVar aggregate classification (germline): Uncertain significance. Review status: criteria provided, multiple submitters, no conflicts (2 of 4 stars). 2 submissions from 2 submitters: Uncertain significance (2). Last evaluated 2022-11-08.

Conditions:
Neurofibromatosis, type 1 (NF1). Also called: Neurofibromatosis, type I; Peripheral type neurofibromatosis; VON RECKLINGHAUSEN DISEASE; NEUROFIBROMATOSIS, TYPE I, SOMATIC. Identifiers: Orphanet 636, MedGen C0027831, MONDO:0018975, OMIM 162200. Disease mechanism: loss of function.
Hereditary cancer-predisposing syndrome. Also called: Neoplastic Syndromes, Hereditary; Hereditary Cancer Syndrome; Hereditary neoplastic syndrome; Tumor predisposition. Identifiers: Orphanet 140162, MedGen C0027672, MeSH D009386, MONDO:0015356.
Cardiovascular phenotype. Identifiers: MedGen CN230736.

Submissions (2):

Labcorp Genetics (formerly Invitae), Labcorp
Classification: Uncertain significance for Neurofibromatosis, type 1. Last evaluated: 2022-11-08. Review status: criteria provided, single submitter. Criteria: Invitae Variant Classification Sherloc (09022015). Collection method: clinical testing. Allele origin: germline.
Comment: This variant is not present in population databases (gnomAD no frequency). In summary, the available evidence is currently insufficient to determine the role of this variant in disease. Therefore, it has been classified as a Variant of Uncertain Significance. Advanced modeling of protein sequence and biophysical properties (such as structural, functional, and spatial information, amino acid conservation, physicochemical variation, residue mobility, and thermodynamic stability) performed at Invitae indicates that this missense variant is expected to disrupt NF1 protein function. ClinVar contains an entry for this variant (Variation ID: 824397). This variant has not been reported in the literature in individuals affected with NF1-related conditions. This sequence change replaces serine, which is neutral and polar, with tyrosine, which is neutral and polar, at codon 1311 of the NF1 protein (p.Ser1311Tyr).

Ambry Genetics
Classification: Uncertain significance for Cardiovascular phenotype; Hereditary cancer-predisposing syndrome. Last evaluated: 2019-03-08. Review status: criteria provided, single submitter. Criteria: Ambry Variant Classification Scheme 2023. Collection method: clinical testing. Allele origin: germline.
Comment: The p.S1311Y variant (also known as c.3932C>A), located in coding exon 29 of the NF1 gene, results from a C to A substitution at nucleotide position 3932. The serine at codon 1311 is replaced by tyrosine, an amino acid with dissimilar properties. This amino acid position is not well conserved in available vertebrate species. In addition, the in silico prediction for this alteration is inconclusive. Since supporting evidence is limited at this time, the clinical significance of this alteration remains unclear.